The following is an entry in ClinVar:

NM_000548.5(TSC2):c.4904G>A (p.Cys1635Tyr)

Gene: TSC2 (TSC complex subunit 2; plus strand). Cytogenetic location: 16p13.3.
Variant type: single nucleotide variant.
Coding change: c.4904G>A on transcript NM_000548.5 (MANE Select); coding-DNA position 4904, G replaced by A.
Protein change: p.Cys1635Tyr; replaces cysteine 1635 with tyrosine.
Molecular consequence: missense variant.
Genome position (GRCh38, 1-based): chr16:2,086,786, G>A. VCF-style: chr16-2086786-G-A. GRCh37 (hg19) VCF-style: chr16-2136787-G-A.
Other names: c.4703G>A, p.Cys1568Tyr (NM_001077183.3); c.4835G>A, p.Cys1612Tyr (NM_001114382.3); c.4595G>A, p.Cys1532Tyr (NM_001318827.2); c.4559G>A, p.Cys1520Tyr (NM_001318829.2); c.4172G>A, p.Cys1391Tyr (NM_001318831.2); c.4736G>A, p.Cys1579Tyr (NM_001318832.2); c.4706G>A, p.Cys1569Tyr (NM_001363528.2); c.4772G>A, p.Cys1591Tyr (NM_001370404.1); and 1 more; short protein forms C1635Y, C1532Y, C1592Y, C1612Y, C1520Y, C1568Y, C1569Y, C1591Y.
Identifiers: ClinVar variation 535983 (VCV000535983.10), dbSNP rs1555438494, ClinGen allele CA394308460.

ClinVar aggregate classification (germline): Uncertain significance (1 of 4 stars; one submission).

Conditions:
Tuberous sclerosis 2 (TSC2). Identifiers: Orphanet 805, MedGen C1860707, MONDO:0013199, OMIM 613254.

Submission:

Labcorp Genetics (formerly Invitae), Labcorp
Classification: Uncertain significance for Tuberous sclerosis 2. Last evaluated: 2019-06-07. Review status: criteria provided, single submitter. Criteria: Invitae Variant Classification Sherloc (09022015). Collection method: clinical testing. Allele origin: germline.
Comment: This sequence change replaces cysteine with tyrosine at codon 1635 of the TSC2 protein (p.Cys1635Tyr). The cysteine residue is highly conserved and there is a large physicochemical difference between cysteine and tyrosine. This variant is not present in population databases (ExAC no frequency). This variant has not been reported in the literature in individuals with TSC2-related conditions. ClinVar contains an entry for this variant (Variation ID: 535983). Algorithms developed to predict the effect of missense changes on protein structure and function are either unavailable or do not agree on the potential impact of this missense change (SIFT: "Tolerated"; PolyPhen-2: "Probably Damaging"; Align-GVGD: "Class C0"). In summary, the available evidence is currently insufficient to determine the role of this variant in disease. Therefore, it has been classified as a Variant of Uncertain Significance.